The following is an entry in ClinVar:

ClinVar aggregate classification (germline): Uncertain significance (1 of 4 stars; one submission).

Allele frequency attached by ClinVar (database versions not stated): gnomAD exomes 0.00001 and 0.00002; gnomAD 0.00003 and 0.00004; TOPMed 0.00003; ExAC 0.00006; ESP Exome Variant Server 0.00008.
gnomAD v4.1: 22 of 1,610,116 alleles (0.0014%); highest among the groups gnomAD compares: Middle Eastern, 0.016%; no homozygotes.

Submission:

Labcorp Genetics (formerly Invitae), Labcorp
Classification: Uncertain significance. Last evaluated: 2024-10-25. Review status: criteria provided, single submitter. Criteria: Invitae Variant Classification Sherloc (09022015). Collection method: clinical testing. Allele origin: germline.
Comment: This sequence change replaces arginine, which is basic and polar, with glutamine, which is neutral and polar, at codon 574 of the ERCC3 protein (p.Arg574Gln). This variant is present in population databases (rs373218532, gnomAD 0.01%). This variant has not been reported in the literature in individuals affected with ERCC3-related conditions. ClinVar contains an entry for this variant (Variation ID: 1394219). Invitae Evidence Modeling of protein sequence and biophysical properties (such as structural, functional, and spatial information, amino acid conservation, physicochemical variation, residue mobility, and thermodynamic stability) indicates that this missense variant is not expected to disrupt ERCC3 protein function with a negative predictive value of 80%. In summary, the available evidence is currently insufficient to determine the role of this variant in disease. Therefore, it has been classified as a Variant of Uncertain Significance.

NM_000122.2(ERCC3):c.1721G>A (p.Arg574Gln)

Gene: ERCC3 (ERCC excision repair 3, TFIIH core complex helicase subunit; minus strand). Cytogenetic location: 2q14.3.
Variant type: single nucleotide variant.
Coding change: c.1721G>A on transcript NM_000122.2 (MANE Select); coding-DNA position 1721, G replaced by A.
Protein change: p.Arg574Gln; replaces arginine 574 with glutamine.
Molecular consequence: missense variant.
Genome position (GRCh38, 1-based): chr2:127,279,182, C>T on the plus strand (G>A on the coding strand, the complement: ERCC3 is on the minus strand). VCF-style: chr2-127279182-C-T. GRCh37 (hg19) VCF-style: chr2-128036758-C-T.
Other names: c.1529G>A, p.Arg510Gln (NM_001303416.2, NM_001303418.2); short protein forms R510Q, R574Q.
Identifiers: ClinVar variation 1394219 (VCV001394219.5), dbSNP rs373218532, ClinGen allele CA1858211.